The following is an entry in ClinVar:

NM_024580.6(EFL1):c.2281G>T (p.Glu761Ter)

Gene: EFL1 (elongation factor like GTPase 1; minus strand). Cytogenetic location: 15q25.2.
Variant type: single nucleotide variant.
Coding change: c.2281G>T on transcript NM_024580.6 (MANE Select); coding-DNA position 2281, G replaced by T.
Protein change: p.Glu761Ter; replaces glutamic acid 761 with a stop codon.
Molecular consequence: nonsense. On other transcripts: non-coding transcript variant (1).
Genome position (GRCh38, 1-based): chr15:82,152,173, C>A on the plus strand (G>T on the coding strand, the complement: EFL1 is on the minus strand). VCF-style: chr15-82152173-C-A. GRCh37 (hg19) VCF-style: chr15-82444514-C-A.
Other names: c.2128G>T, p.Glu710Ter (NM_001040610.3); c.1492G>T, p.Glu498Ter (NM_001322844.2); c.2281G>T, p.Glu761Ter (NM_001322845.2); short protein forms E498*, E710*, E761*.
Identifiers: ClinVar variation 1466428 (VCV001466428.6), dbSNP rs1468102919, ClinGen allele CA393288156.

ClinVar aggregate classification (germline): Uncertain significance (1 of 4 stars; one submission).

Allele frequency attached by ClinVar (database versions not stated): gnomAD exomes below 0.00001.
gnomAD v4.1: 1 of 1,614,132 alleles (0.000062%); highest among the groups gnomAD compares: Non-Finnish European, 0.000085%; no homozygotes.

Submission:

Labcorp Genetics (formerly Invitae), Labcorp
Classification: Uncertain significance. Last evaluated: 2021-04-02. Review status: criteria provided, single submitter. Criteria: Invitae Variant Classification Sherloc (09022015). Collection method: clinical testing. Allele origin: germline.
Comment: This sequence change creates a premature translational stop signal (p.Glu761*) in the EFL1 gene. It is expected to result in an absent or disrupted protein product. However, the current clinical and genetic evidence is not sufficient to establish whether loss-of-function variants in EFL1 cause disease. In summary, the available evidence is currently insufficient to determine the role of this variant in disease. Therefore, it has been classified as a Variant of Uncertain Significance. Experimental studies and prediction algorithms are not available or were not evaluated, and the functional significance of this variant is currently unknown. This variant has not been reported in the literature in individuals with EFL1-related conditions. This variant is not present in population databases (ExAC no frequency).